The following is an entry in ClinVar:

ClinVar aggregate classification (germline): Uncertain significance. Review status: criteria provided, multiple submitters, no conflicts (2 of 4 stars). 3 submissions from 3 submitters: Uncertain significance (3). Last evaluated 2024-12-17.

Conditions:
Hereditary cancer-predisposing syndrome. Also called: Neoplastic Syndromes, Hereditary; Tumor predisposition; Hereditary Cancer Syndrome; Hereditary neoplastic syndrome. Identifiers: Orphanet 140162, MedGen C0027672, MeSH D009386, MONDO:0015356.
Neuroblastoma, susceptibility to, 2. Identifiers: Orphanet 635, MedGen C2751682, MONDO:0700041, OMIM 613013.
Haddad syndrome (OHD). Also called: Ondine-Hirschsprung disease. Identifiers: Orphanet 99803, MedGen C1859049, MONDO:0020493.

Submissions (3):

Ambry Genetics
Classification: Uncertain significance for Hereditary cancer-predisposing syndrome. Last evaluated: 2024-12-17. Review status: criteria provided, single submitter. Criteria: Ambry Variant Classification Scheme 2023. Collection method: clinical testing. Allele origin: germline.
Comment: The p.P232R variant (also known as c.695C>G), located in coding exon 3 of the PHOX2B gene, results from a C to G substitution at nucleotide position 695. The proline at codon 232 is replaced by arginine, an amino acid with dissimilar properties. This amino acid position is well conserved in available vertebrate species. In addition, this alteration is predicted to be tolerated by in silico analysis. Based on the available evidence, the clinical significance of this variant remains unclear.

Baylor Genetics
Classification: Uncertain significance for Neuroblastoma, susceptibility to, 2. Last evaluated: 2023-10-10. Review status: criteria provided, single submitter. Criteria: ACMG Guidelines, 2015. Collection method: clinical testing. Allele origin: unknown.

Labcorp Genetics (formerly Invitae), Labcorp
Classification: Uncertain significance for Haddad syndrome. Last evaluated: 2023-09-03. Review status: criteria provided, single submitter. Criteria: Invitae Variant Classification Sherloc (09022015). Collection method: clinical testing. Allele origin: germline.
Comment: Advanced modeling of protein sequence and biophysical properties (such as structural, functional, and spatial information, amino acid conservation, physicochemical variation, residue mobility, and thermodynamic stability) performed at Invitae indicates that this missense variant is not expected to disrupt PHOX2B protein function. In summary, the available evidence is currently insufficient to determine the role of this variant in disease. Therefore, it has been classified as a Variant of Uncertain Significance. ClinVar contains an entry for this variant (Variation ID: 1756315). This variant has not been reported in the literature in individuals affected with PHOX2B-related conditions. This variant is not present in population databases (gnomAD no frequency). This sequence change replaces proline, which is neutral and non-polar, with arginine, which is basic and polar, at codon 232 of the PHOX2B protein (p.Pro232Arg).

NM_003924.4(PHOX2B):c.695C>G (p.Pro232Arg)

Gene: PHOX2B (paired like homeobox 2B; minus strand). Cytogenetic location: 4p13.
Variant type: single nucleotide variant.
Coding change: c.695C>G on transcript NM_003924.4 (MANE Select); coding-DNA position 695, C replaced by G.
Protein change: p.Pro232Arg; replaces proline 232 with arginine.
Molecular consequence: missense variant.
Genome position (GRCh38, 1-based): chr4:41,746,057, G>C on the plus strand (C>G on the coding strand, the complement: PHOX2B is on the minus strand). VCF-style: chr4-41746057-G-C. GRCh37 (hg19) VCF-style: chr4-41748074-G-C.
Other names: short protein forms P232R.
Identifiers: ClinVar variation 1756315 (VCV001756315.7), dbSNP rs2552096833, ClinGen allele CA356737364.